The following is an entry in ClinVar:

ClinVar aggregate classification (germline): Likely pathogenic. Review status: criteria provided, single submitter (1 of 4 stars). 2 submissions from 2 submitters: Likely pathogenic (1). 1 of the submissions does not count toward it. Last evaluated 2011-10-13.

Conditions:
Familial thoracic aortic aneurysm and aortic dissection (TAAD). Also called: Thoracic aortic aneurysms and dissections. Identifiers: Orphanet 91387, MedGen C4707243, MONDO:0019625.
Marfan syndrome (MFS). Also called: FBN1-Related Marfan Syndrome; Marfan syndrome, classic; MARFAN SYNDROME, TYPE I; Marfan syndrome type 1; Marfan's syndrome. Identifiers: Orphanet 284963, Orphanet 558, MedGen C0024796, MONDO:0007947, OMIM 154700.

gnomAD v4.1: 1 of 1,613,948 alleles (0.000062%); highest among the groups gnomAD compares: Non-Finnish European, 0.000085%; no homozygotes.

Submissions (2):

Laboratory for Molecular Medicine, Mass General Brigham Personalized Medicine
Classification: Likely pathogenic for Marfan syndrome. Last evaluated: 2011-10-13. Review status: criteria provided, single submitter. Criteria: LMM Criteria. Collection method: clinical testing. Allele origin: germline. Inheritance: Autosomal dominant inheritance. Observed: 2 variant alleles.
Comment: The Arg1469Pro variant has not previously been reported nor previously identifie d by our laboratory in any other families. However, identification of this varia nt in 2 cousins whom have clinical features of Marfan syndrome, and therefore se gregating across 3 informative meioses in this family, increases the likelihood that this variant is pathogenic. In addition, arginine (Arg) at amino acid posit ion 1469 is highly conserved across evolutionarily distant species and this vari ant lies within a functional domain of FBN1, which also increases the likelihood that this variant is pathogenic. In summary, this variant is likely to be patho genic. The clinical significance of this variant should be interpreted in the co ntext of this individual's clinical manifestation.

Centre for Genomic and Experimental Medicine, University of Edinburgh
Classification: Likely pathogenic for Familial thoracic aortic aneurysm and aortic dissection. Review status: no assertion criteria provided. Collection method: research. Allele origin: unknown. Affected: yes. Not counted in ClinVar's aggregate classification.

NM_000138.5(FBN1):c.4406G>C (p.Arg1469Pro)

Gene: FBN1 (fibrillin 1; minus strand). Cytogenetic location: 15q21.1.
Variant type: single nucleotide variant.
Coding change: c.4406G>C on transcript NM_000138.5 (MANE Select); coding-DNA position 4406, G replaced by C.
Protein change: p.Arg1469Pro; replaces arginine 1469 with proline.
Molecular consequence: missense variant.
Genome position (GRCh38, 1-based): chr15:48,470,687, C>G on the plus strand (G>C on the coding strand, the complement: FBN1 is on the minus strand). VCF-style: chr15-48470687-C-G. GRCh37 (hg19) VCF-style: chr15-48762884-C-G.
Other names: short protein forms R1469P.
Identifiers: ClinVar variation 42361 (VCV000042361.4), dbSNP rs397515808, ClinGen allele CA015037.